The following is an entry in ClinVar:

NM_198578.4(LRRK2):c.1445C>G (p.Ala482Gly)

Gene: LRRK2 (leucine rich repeat kinase 2; plus strand). Cytogenetic location: 12q12.
Variant type: single nucleotide variant.
Coding change: c.1445C>G on transcript NM_198578.4 (MANE Select); coding-DNA position 1445, C replaced by G.
Protein change: p.Ala482Gly; replaces alanine 482 with glycine.
Molecular consequence: missense variant.
Genome position (GRCh38, 1-based): chr12:40,259,506, C>G. VCF-style: chr12-40259506-C-G. GRCh37 (hg19) VCF-style: chr12-40653308-C-G.
Other names: short protein forms A482G.
Identifiers: ClinVar variation 1772786 (VCV001772786.2), dbSNP rs1942675604, ClinGen allele CA384411300.

ClinVar aggregate classification (germline): Uncertain significance (1 of 4 stars; one submission).

Conditions:
Inborn genetic diseases. Identifiers: MedGen C0950123, MeSH D030342.

Allele frequency attached by ClinVar (database versions not stated): TOPMed below 0.00001.

Submission:

Ambry Genetics
Classification: Uncertain significance for Inborn genetic diseases. Last evaluated: 2022-01-31. Review status: criteria provided, single submitter. Criteria: Ambry Variant Classification Scheme 2023. Collection method: clinical testing. Allele origin: germline.
Comment: The p.A482G variant (also known as c.1445C>G), located in coding exon 13 of the LRRK2 gene, results from a C to G substitution at nucleotide position 1445. The alanine at codon 482 is replaced by glycine, an amino acid with similar properties. This amino acid position is conserved. In addition, this alteration is predicted to be tolerated by in silico analysis. Since supporting evidence is limited at this time, the clinical significance of this alteration remains unclear.